The following is an entry in ClinVar:

ClinVar aggregate classification (germline): Conflicting classifications of pathogenicity. Review status: criteria provided, conflicting classifications (1 of 4 stars). 3 submissions from 3 submitters: Likely pathogenic (2); Uncertain significance (1). Last evaluated 2025-11-02.

Conditions:
Seizure. Also called: Seizures. Identifiers: MedGen C0036572, HP:0001250.
Early-infantile DEE. Also called: Early infantile epileptic encephalopathy; Early infantile epileptic encephalopathy with suppression bursts; Ohtahara syndrome. Identifiers: Orphanet 1934, MedGen C0393706, MONDO:0800491.

Allele frequency attached by ClinVar (database versions not stated): gnomAD exomes below 0.00001 and 0.00001; TOPMed 0.00002.
gnomAD v4.1: 15 of 1,611,732 alleles (0.00093%); highest among the groups gnomAD compares: Non-Finnish European, 0.0011%; no homozygotes.

Submissions (3):

Labcorp Genetics (formerly Invitae), Labcorp
Classification: Uncertain significance for Early-infantile DEE. Last evaluated: 2025-11-02. Review status: criteria provided, single submitter. Criteria: Invitae Variant Classification Sherloc (09022015). Collection method: clinical testing. Allele origin: germline.
Comment: This sequence change replaces isoleucine, which is neutral and non-polar, with methionine, which is neutral and non-polar, at codon 173 of the SCN1A protein (p.Ile173Met). This variant is present in population databases (no rsID available, gnomAD 0.0009%). This variant has not been reported in the literature in individuals affected with SCN1A-related conditions. ClinVar contains an entry for this variant (Variation ID: 1048588). Invitae Evidence Modeling of protein sequence and biophysical properties (such as structural, functional, and spatial information, amino acid conservation, physicochemical variation, residue mobility, and thermodynamic stability) indicates that this missense variant is expected to disrupt SCN1A protein function with a positive predictive value of 80%. This variant disrupts the p.Ile173 amino acid residue in SCN1A. Other variant(s) that disrupt this residue have been determined to be pathogenic (internal data). This suggests that this residue is clinically significant, and that variants that disrupt this residue are likely to be disease-causing. In summary, the available evidence is currently insufficient to determine the role of this variant in disease. Therefore, it has been classified as a Variant of Uncertain Significance.

GeneDx
Classification: Likely pathogenic. Last evaluated: 2023-10-25. Review status: criteria provided, single submitter. Criteria: GeneDx Variant Classification Process June 2021. Collection method: clinical testing. Allele origin: germline. Affected: yes.
Comment: Not observed at significant frequency in large population cohorts (gnomAD); The majority of missense variants in this gene are considered pathogenic (HGMD); In silico analysis supports that this missense variant has a deleterious effect on protein structure/function; Has not been previously published as pathogenic or benign to our knowledge; This substitution is predicted to be within the transmembrane segment S2 of the first homologous domain

Cytogénomique, Hospices Civils de Lyon
Classification: Likely pathogenic for Seizure. Last evaluated: 2021-04-01. Review status: criteria provided, single submitter. Criteria: ACMG Guidelines, 2015. Collection method: clinical testing. Allele origin: maternal. Inheritance: Autosomal dominant inheritance. Affected: yes. Observed: 1 variant allele, 1 heterozygote.
Comment: predicted pathogenic. Good geno/pheno correlation. 1 in gnomAD v2.1

NM_001165963.4(SCN1A):c.519T>G (p.Ile173Met)

Gene: SCN1A (sodium voltage-gated channel alpha subunit 1; minus strand). Cytogenetic location: 2q24.3.
Variant type: single nucleotide variant.
Coding change: c.519T>G on transcript NM_001165963.4 (MANE Select); coding-DNA position 519, T replaced by G.
Protein change: p.Ile173Met; replaces isoleucine 173 with methionine.
Molecular consequence: missense variant. On other transcripts: 5 prime UTR variant (1), non-coding transcript variant (1).
Genome position (GRCh38, 1-based): chr2:166,054,721, A>C on the plus strand (T>G on the coding strand, the complement: SCN1A is on the minus strand). VCF-style: chr2-166054721-A-C. GRCh37 (hg19) VCF-style: chr2-166911231-A-C.
Other names: c.519T>G, p.Ile173Met (NM_001165964.3, NM_001202435.3, NM_001353948.2 and 10 more transcripts); c.-1907T>G (NM_001353961.2); short protein forms I173M.
Identifiers: ClinVar variation 1048588 (VCV001048588.6), dbSNP rs1283681963, ClinGen allele CA349075572.